The following is an entry in ClinVar:

NM_022167.4(XYLT2):c.1510C>T (p.Arg504Trp)

Gene: XYLT2 (xylosyltransferase 2; plus strand). Cytogenetic location: 17q21.33.
Variant type: single nucleotide variant.
Coding change: c.1510C>T on transcript NM_022167.4 (MANE Select); coding-DNA position 1510, C replaced by T.
Protein change: p.Arg504Trp; replaces arginine 504 with tryptophan.
Molecular consequence: missense variant.
Genome position (GRCh38, 1-based): chr17:50,356,538, C>T. VCF-style: chr17-50356538-C-T. GRCh37 (hg19) VCF-style: chr17-48433899-C-T.
Other names: short protein forms R504W.
Identifiers: ClinVar variation 3347164 (VCV003347164.1).
Genomic context (GRCh38, chr17:50,356,538, plus strand): 5'-AGCCCTTCACCCTCCTTGCCTCTCCCACTCCAGCAAGTCTCCAGACCCACCTTCTTCGCC[C>T]GGAAGTTCGAGTCGACTGTGAACCAGGAGGTGCTGGAAATCCTGGACTTCCACCTGTATG-3'
Protein context (NP_071450.2, residues 494-514): QQVSRPTFFA[Arg504Trp]KFESTVNQEV

ClinVar aggregate classification (germline): Uncertain significance (0 of 4 stars; one submission).

Conditions:
XYLT2-related disorder. Also called: XYLT2-related condition.

gnomAD v4.1: 5 of 1,614,010 alleles (0.00031%); highest among the groups gnomAD compares: South Asian, 0.0011%; no homozygotes.

Submission:

PreventionGenetics, part of Exact Sciences
Classification: Uncertain significance for XYLT2-related condition. Last evaluated: 2024-08-26. Review status: no assertion criteria provided. Collection method: clinical testing. Allele origin: germline.
Comment: The XYLT2 c.1510C>T variant is predicted to result in the amino acid substitution p.Arg504Trp. To our knowledge, this variant has not been reported in the literature or in a large population database, indicating this variant is rare. At this time, the clinical significance of this variant is uncertain due to the absence of conclusive functional and genetic evidence.